The following is an entry in ClinVar:

NM_022725.4(FANCF):c.1094T>G (p.Leu365Trp)

Genes: FANCF (FA complementation group F; minus strand), LOC130005443 (ATAC-STARR-seq lymphoblastoid active region 4533; plus strand). Cytogenetic location: 11p14.3.
Variant type: single nucleotide variant.
Coding change: c.1094T>G on transcript NM_022725.4 (MANE Select); coding-DNA position 1094, T replaced by G.
Protein change: p.Leu365Trp; replaces leucine 365 with tryptophan.
Molecular consequence: missense variant.
Genome position (GRCh38, 1-based): chr11:22,624,717, A>C on the plus strand (T>G on the coding strand, the complement: FANCF is on the minus strand). VCF-style: chr11-22624717-A-C. GRCh37 (hg19) VCF-style: chr11-22646263-A-C.
Other names: short protein forms L365W.
Identifiers: ClinVar variation 4720093 (VCV004720093.1).
Genomic context (GRCh38, chr11:22,624,717, plus strand): 5'-TCTATATTCAAGTAATAACACAGCATTGCCTATACAGAACTGAGGCCTGCGCTGAGACCC[A>C]AAACTTGTCTTTTCCTAAATGCACCACTACGAAGAGCTAATAAGAGGTCTGTCCAGATGC-3'
Protein context (NP_073562.1, residues 355-374): RSGAFRKRQV[Leu365Trp]GLSAGLSSV

ClinVar aggregate classification (germline): Uncertain significance (1 of 4 stars; one submission).

Conditions:
Fanconi anemia (FA). Also called: Fanconi's anemia. Identifiers: Orphanet 84, MedGen C0015625, MeSH D005199, MONDO:0019391.

Submission:

Labcorp Genetics (formerly Invitae), Labcorp
Classification: Uncertain significance for Fanconi anemia. Last evaluated: 2025-05-23. Review status: criteria provided, single submitter. Criteria: Invitae Variant Classification Sherloc (09022015). Collection method: clinical testing. Allele origin: germline.
Comment: This sequence change replaces leucine, which is neutral and non-polar, with tryptophan, which is neutral and slightly polar, at codon 365 of the FANCF protein (p.Leu365Trp). This variant is not present in population databases (gnomAD no frequency). This variant has not been reported in the literature in individuals affected with FANCF-related conditions. An algorithm developed to predict the effect of missense changes on protein structure and function (PolyPhen-2) suggests that this variant is likely to be tolerated. In summary, the available evidence is currently insufficient to determine the role of this variant in disease. Therefore, it has been classified as a Variant of Uncertain Significance.